The following is an entry in ClinVar:

ClinVar aggregate classification (germline): Uncertain significance. Review status: criteria provided, single submitter (1 of 4 stars). 2 submissions from 2 submitters: Uncertain significance (1). 1 of the submissions does not count toward it. Last evaluated 2025-06-27.

Conditions:
Alstrom syndrome (ALMS). Identifiers: Orphanet 64, MedGen C0268425, MONDO:0008763, OMIM 203800.

Submissions (2):

GeneDx
Classification: Uncertain significance. Last evaluated: 2025-06-27. Review status: criteria provided, single submitter. Criteria: GeneDx Variant Classification Process June 2021. Collection method: clinical testing. Allele origin: germline. Affected: yes.
Comment: Not observed at significant frequency in large population cohorts (gnomAD); In silico analysis does not support a benign or deleterious effect of this variant on protein structure/function; Has not been previously published as pathogenic or benign to our knowledge

Natera, Inc.
Classification: Uncertain significance for Alstrom syndrome. Last evaluated: 2025-03-17. Review status: no assertion criteria provided. Collection method: clinical testing. Allele origin: germline. Not counted in ClinVar's aggregate classification.

NM_001378454.1(ALMS1):c.5648A>G (p.Asp1883Gly)

Gene: ALMS1 (ALMS1 centrosome and basal body associated protein; plus strand). Cytogenetic location: 2p13.1.
Variant type: single nucleotide variant.
Coding change: c.5648A>G on transcript NM_001378454.1 (MANE Select); coding-DNA position 5648, A replaced by G.
Protein change: p.Asp1883Gly; replaces aspartic acid 1883 with glycine.
Molecular consequence: missense variant.
Genome position (GRCh38, 1-based): chr2:73,452,175, A>G. VCF-style: chr2-73452175-A-G. GRCh37 (hg19) VCF-style: chr2-73679302-A-G.
Other names: c.5651A>G, p.Asp1884Gly (NM_015120.4); short protein forms D1883G, D1884G.
Identifiers: ClinVar variation 4058835 (VCV004058835.2).